The following is an entry in ClinVar:

ClinVar aggregate classification (germline): Uncertain significance (1 of 4 stars; one submission).

Conditions:
Inborn genetic diseases. Identifiers: MedGen C0950123, MeSH D030342.

Submission:

Ambry Genetics
Classification: Uncertain significance for Inborn genetic diseases. Last evaluated: 2025-07-01. Review status: criteria provided, single submitter. Criteria: Ambry Variant Classification Scheme 2023. Collection method: clinical testing. Allele origin: germline.
Comment: The p.E180K variant (also known as c.538G>A), located in coding exon 2 of the GATA2 gene, results from a G to A substitution at nucleotide position 538. The glutamic acid at codon 180 is replaced by lysine, an amino acid with similar properties. This amino acid position is conserved. In addition, the in silico prediction for this alteration is inconclusive. Based on the available evidence, the clinical significance of this variant remains unclear.

NM_032638.5(GATA2):c.538G>A (p.Glu180Lys)

Gene: GATA2 (GATA binding protein 2; minus strand). Cytogenetic location: 3q21.3.
Variant type: single nucleotide variant.
Coding change: c.538G>A on transcript NM_032638.5 (MANE Select); coding-DNA position 538, G replaced by A.
Protein change: p.Glu180Lys; replaces glutamic acid 180 with lysine.
Molecular consequence: missense variant.
Genome position (GRCh38, 1-based): chr3:128,486,060, C>T on the plus strand (G>A on the coding strand, the complement: GATA2 is on the minus strand). VCF-style: chr3-128486060-C-T. GRCh37 (hg19) VCF-style: chr3-128204903-C-T.
Other names: c.538G>A, p.Glu180Lys (NM_001145661.2, NM_001145662.1); short protein forms E180K.
Identifiers: ClinVar variation 4262121 (VCV004262121.1).